The following is an entry in ClinVar:

ClinVar aggregate classification (germline): Likely benign (0 of 4 stars; one submission).

Conditions:
SCN10A-related disorder. Also called: SCN10A-related condition.

Submission:

PreventionGenetics, part of Exact Sciences
Classification: Likely benign for SCN10A-related condition. Last evaluated: 2021-04-07. Review status: no assertion criteria provided. Collection method: clinical testing. Allele origin: germline.
Comment: This variant is classified as likely benign based on ACMG/AMP sequence variant interpretation guidelines (Richards et al. 2015 PMID: 25741868, with internal and published modifications).

NM_006514.4(SCN10A):c.3353-5C>T

Genes: SCN10A (sodium voltage-gated channel alpha subunit 10; minus strand), LOC110121288 (VISTA enhancer hs2268; plus strand). Cytogenetic location: 3p22.2.
Variant type: single nucleotide variant.
Coding change: c.3353-5C>T on transcript NM_006514.4 (MANE Select); 5 bases into the intron before coding-DNA position 3353, C replaced by T.
Molecular consequence: intron variant.
Genome position (GRCh38, 1-based): chr3:38,722,417, G>A on the plus strand (C>T on the coding strand, the complement: SCN10A is on the minus strand). VCF-style: chr3-38722417-G-A. GRCh37 (hg19) VCF-style: chr3-38763908-G-A.
Other names: c.3059-5C>T (NM_001293307.2); c.3350-5C>T (NM_001293306.2).
Identifiers: ClinVar variation 3030262 (VCV003030262.2), dbSNP rs773434635, ClinGen allele CA2740094358.